The following is an entry in ClinVar:

NM_002528.7(NTHL1):c.115G>C (p.Glu39Gln)

Gene: NTHL1 (nth like DNA glycosylase 1; minus strand). Cytogenetic location: 16p13.3.
Variant type: single nucleotide variant.
Coding change: c.115G>C on transcript NM_002528.7 (MANE Select); coding-DNA position 115, G replaced by C.
Protein change: p.Glu39Gln; replaces glutamic acid 39 with glutamine.
Molecular consequence: missense variant. On other transcripts: 5 prime UTR variant (1).
Genome position (GRCh38, 1-based): chr16:2,047,709, C>G on the plus strand (G>C on the coding strand, the complement: NTHL1 is on the minus strand). VCF-style: chr16-2047709-C-G. GRCh37 (hg19) VCF-style: chr16-2097710-C-G.
Other names: c.115G>C, p.Glu39Gln (NM_001318193.2); c.-64G>C (NM_001318194.2); short protein forms E39Q.
Identifiers: ClinVar variation 1398466 (VCV001398466.8), dbSNP rs1274541982, ClinGen allele CA394298213.
Genomic context (GRCh38, chr16:2,047,709, plus strand): 5'-ACTCCAGCCTGCAGCCCCTATCCCGCCTCCTCCCACGCTCCAGCCACGGCGCGGCGCTAC[C>G]TGCTGCAGCCTCTCTTCTCCGGAGAGGCCCGGGCTCCTCCCTACACCCCCGCGGCCCAGC-3'
Protein context (NP_002519.2, residues 29-49): GPLRRREAAA[Glu39Gln]ARKSHSPVKR

ClinVar aggregate classification (germline): Uncertain significance. Review status: criteria provided, multiple submitters, no conflicts (2 of 4 stars). 2 submissions from 2 submitters: Uncertain significance (2). Last evaluated 2024-02-28.

Conditions:
Hereditary cancer-predisposing syndrome. Also called: Hereditary Cancer Syndrome; Hereditary neoplastic syndrome; Tumor predisposition; Neoplastic Syndromes, Hereditary. Identifiers: Orphanet 140162, MedGen C0027672, MeSH D009386, MONDO:0015356.

Allele frequency attached by ClinVar (database versions not stated): gnomAD 0.00001; gnomAD exomes 0.00001; TOPMed 0.00001.
gnomAD v4.1: 2 of 1,577,874 alleles (0.00013%); highest among the groups gnomAD compares: Admixed American, 0.0035%; no homozygotes.

Submissions (2):

Ambry Genetics
Classification: Uncertain significance for Hereditary cancer-predisposing syndrome. Last evaluated: 2024-02-28. Review status: criteria provided, single submitter. Criteria: Ambry Variant Classification Scheme 2023. Collection method: clinical testing. Allele origin: germline.
Comment: The p.E47Q variant (also known as c.139G>C), located in coding exon 1 of the NTHL1 gene, results from a G to C substitution at nucleotide position 139. The amino acid change results in glutamic acid to glutamine at codon 47, an amino acid with highly similar properties. However, this change occurs in the last base pair of coding exon 1, which makes it likely to have some effect on normal mRNA splicing. This nucleotide position is highly conserved in available vertebrate species. In silico splice site analysis predicts that this alteration will weaken the native splice donor site. This amino acid position is well conserved in available vertebrate species. In addition, as a missense substitution this alteration is predicted to be tolerated by in silico analysis. Since supporting evidence is limited at this time, the clinical significance of this alteration remains unclear.

Labcorp Genetics (formerly Invitae), Labcorp
Classification: Uncertain significance. Last evaluated: 2023-04-24. Review status: criteria provided, single submitter. Criteria: Invitae Variant Classification Sherloc (09022015). Collection method: clinical testing. Allele origin: germline.
Comment: In summary, the available evidence is currently insufficient to determine the role of this variant in disease. Therefore, it has been classified as a Variant of Uncertain Significance. Variants that disrupt the consensus splice site are a relatively common cause of aberrant splicing (PMID: 17576681, 9536098). RNA analysis performed to evaluate the impact of this missense change on mRNA splicing indicates it does not significantly alter splicing (Invitae). An algorithm developed to predict the effect of missense changes on protein structure and function (PolyPhen-2) suggests that this variant is likely to be tolerated. ClinVar contains an entry for this variant (Variation ID: 1398466). This variant has not been reported in the literature in individuals affected with NTHL1-related conditions. This variant is present in population databases (no rsID available, gnomAD 0.003%). This sequence change replaces glutamic acid, which is acidic and polar, with glutamine, which is neutral and polar, at codon 47 of the NTHL1 protein (p.Glu47Gln). This variant also falls at the last nucleotide of exon 1, which is part of the consensus splice site for this exon.

Literature cited by the submitters: PubMed 17576681 (cited by Labcorp Genetics (formerly Invitae), Labcorp); PubMed 9536098 (cited by Labcorp Genetics (formerly Invitae), Labcorp).